The following is an entry in ClinVar:

ClinVar aggregate classification (germline): Uncertain significance (1 of 4 stars; one submission).

Conditions:
Hypertrophic cardiomyopathy. Also called: HYPERTROPHIC MYOCARDIOPATHY. Identifiers: Orphanet 217569, MedGen C0007194, MeSH D002312, MONDO:0005045, HP:0001639.

gnomAD v4.1: 1 of 1,612,784 alleles (0.000062%); highest among the groups gnomAD compares: Admixed American, 0.0017%; no homozygotes.

Submission:

All of Us Research Program, National Institutes of Health
Classification: Uncertain significance for Hypertrophic cardiomyopathy. Last evaluated: 2024-03-05. Review status: criteria provided, single submitter. Criteria: ACMG Guidelines, 2015. Collection method: clinical testing. Allele origin: germline. Inheritance: Autosomal dominant inheritance. Observed: 1 variant allele, 1 heterozygote.
Comment: This study involves interpretation of variants in research participants for the purpose of population health screening. Participant phenotype was not available at the time of variant classification. Additional details can be found in publication PMID: 35346344, PMCID: PMC8962531

NM_000363.5(TNNI3):c.277C>A (p.Leu93Met)

Gene: TNNI3 (troponin I3, cardiac type; minus strand). Cytogenetic location: 19q13.42.
Variant type: single nucleotide variant.
Coding change: c.277C>A on transcript NM_000363.5 (MANE Select); coding-DNA position 277, C replaced by A.
Protein change: p.Leu93Met; replaces leucine 93 with methionine.
Molecular consequence: missense variant.
Genome position (GRCh38, 1-based): chr19:55,156,206, G>T on the plus strand (C>A on the coding strand, the complement: TNNI3 is on the minus strand). VCF-style: chr19-55156206-G-T. GRCh37 (hg19) VCF-style: chr19-55667574-G-T.
Other names: short protein forms L93M.
Identifiers: ClinVar variation 3386097 (VCV003386097.1).